The following is an entry in ClinVar:

NM_005458.8(GABBR2):c.1150C>T (p.Arg384Trp)

Gene: GABBR2 (gamma-aminobutyric acid type B receptor subunit 2; minus strand). Cytogenetic location: 9q22.33.
Variant type: single nucleotide variant.
Coding change: c.1150C>T on transcript NM_005458.8 (MANE Select); coding-DNA position 1150, C replaced by T.
Protein change: p.Arg384Trp; replaces arginine 384 with tryptophan.
Molecular consequence: missense variant.
Genome position (GRCh38, 1-based): chr9:98,454,067, G>A on the plus strand (C>T on the coding strand, the complement: GABBR2 is on the minus strand). VCF-style: chr9-98454067-G-A. GRCh37 (hg19) VCF-style: chr9-101216349-G-A.
Other names: short protein forms R384W.
Identifiers: ClinVar variation 2785743 (VCV002785743.3), dbSNP rs773210565, ClinGen allele CA5152803.

ClinVar aggregate classification (germline): Uncertain significance (1 of 4 stars; one submission).

Conditions:
Epileptic encephalopathy. Identifiers: MedGen C0543888, HP:0200134.

Allele frequency attached by ClinVar (database versions not stated): ExAC 0.00001.
gnomAD v4.1: 13 of 1,614,168 alleles (0.00081%); highest among the groups gnomAD compares: Non-Finnish European, 0.00025%; no homozygotes.

Submission:

Labcorp Genetics (formerly Invitae), Labcorp
Classification: Uncertain significance for Epileptic encephalopathy. Last evaluated: 2023-04-06. Review status: criteria provided, single submitter. Criteria: Invitae Variant Classification Sherloc (09022015). Collection method: clinical testing. Allele origin: germline.
Comment: This variant is present in population databases (rs773210565, gnomAD 0.02%). In summary, the available evidence is currently insufficient to determine the role of this variant in disease. Therefore, it has been classified as a Variant of Uncertain Significance. Advanced modeling of protein sequence and biophysical properties (such as structural, functional, and spatial information, amino acid conservation, physicochemical variation, residue mobility, and thermodynamic stability) performed at Invitae indicates that this missense variant is not expected to disrupt GABBR2 protein function. This variant has not been reported in the literature in individuals affected with GABBR2-related conditions. This sequence change replaces arginine, which is basic and polar, with tryptophan, which is neutral and slightly polar, at codon 384 of the GABBR2 protein (p.Arg384Trp).